The following is an entry in ClinVar:

ClinVar aggregate classification (germline): Uncertain significance. Review status: criteria provided, multiple submitters, no conflicts (2 of 4 stars). 2 submissions from 2 submitters: Uncertain significance (2). Last evaluated 2022-08-19.

Conditions:
Inborn genetic diseases. Identifiers: MedGen C0950123, MeSH D030342.

Allele frequency attached by ClinVar (database versions not stated): gnomAD exomes 0.00001.
gnomAD v4.1: 14 of 1,614,150 alleles (0.00087%); highest among the groups gnomAD compares: Non-Finnish European, 0.0012%; no homozygotes.

Submissions (2):

Labcorp Genetics (formerly Invitae), Labcorp
Classification: Uncertain significance. Last evaluated: 2022-08-19. Review status: criteria provided, single submitter. Criteria: Invitae Variant Classification Sherloc (09022015). Collection method: clinical testing. Allele origin: germline.
Comment: This sequence change replaces leucine, which is neutral and non-polar, with proline, which is neutral and non-polar, at codon 636 of the CUL7 protein (p.Leu636Pro). This variant is present in population databases (no rsID available, gnomAD 0.002%). This variant has not been reported in the literature in individuals affected with CUL7-related conditions. ClinVar contains an entry for this variant (Variation ID: 1402727). Algorithms developed to predict the effect of missense changes on protein structure and function are either unavailable or do not agree on the potential impact of this missense change (SIFT: "Tolerated"; PolyPhen-2: "Possibly Damaging"; Align-GVGD: "Class C0"). In summary, the available evidence is currently insufficient to determine the role of this variant in disease. Therefore, it has been classified as a Variant of Uncertain Significance.

Ambry Genetics
Classification: Uncertain significance for Inborn genetic diseases. Last evaluated: 2021-06-22. Review status: criteria provided, single submitter. Criteria: Ambry Variant Classification Scheme 2023. Collection method: clinical testing. Allele origin: germline.

NM_014780.5(CUL7):c.1907T>C (p.Leu636Pro)

Gene: CUL7 (cullin 7; minus strand). Cytogenetic location: 6p21.1.
Variant type: single nucleotide variant.
Coding change: c.1907T>C on transcript NM_014780.5 (MANE Select); coding-DNA position 1907, T replaced by C.
Protein change: p.Leu636Pro; replaces leucine 636 with proline.
Molecular consequence: missense variant.
Genome position (GRCh38, 1-based): chr6:43,048,488, A>G on the plus strand (T>C on the coding strand, the complement: CUL7 is on the minus strand). VCF-style: chr6-43048488-A-G. GRCh37 (hg19) VCF-style: chr6-43016226-A-G.
Other names: c.2003T>C, p.Leu668Pro (NM_001168370.2, NM_001374872.1); c.1907T>C, p.Leu636Pro (NM_001374873.1, NM_001374874.1); c.1907T>C (NM_014780.4); short protein forms L668P, L636P.
Identifiers: ClinVar variation 1402727 (VCV001402727.6), dbSNP rs955472057, ClinGen allele CA138249290.
Genomic context (GRCh38, chr6:43,048,488, plus strand): 5'-AGGAGTGGCTTGACCTTGTTCTCCTGGGTCCCCTCTGAGCTGAGGGCTTGCTCTAGATCC[A>G]GGAGGATTTTCCCAGCTGGACCATAACCCTCCACCAGACGCTGCAGGGGAGTGTTGGGAC-3'
Protein context (NP_055595.2, residues 626-646): EGYGPAGKIL[Leu636Pro]DLEQALSSEG